The following is an entry in ClinVar:

NM_001267550.2(TTN):c.90264T>C (p.Ile30088=)

Genes: TTN-AS1 (TTN antisense RNA 1; plus strand), TTN (titin; minus strand). Cytogenetic location: 2q31.2.
Variant type: single nucleotide variant.
Coding change: c.90264T>C on transcript NM_001267550.2 (MANE Select); coding-DNA position 90264, T replaced by C.
Protein change: p.Ile30088=; no amino-acid change (isoleucine 30088 retained).
Molecular consequence: synonymous variant.
Genome position (GRCh38, 1-based): chr2:178,552,636, A>G on the plus strand (T>C on the coding strand, the complement: TTN is on the minus strand). VCF-style: chr2-178552636-A-G. GRCh37 (hg19) VCF-style: chr2-179417363-A-G.
Other names: c.85341T>C, p.Ile28447= (NM_001256850.1); c.63069T>C, p.Ile21023= (NM_003319.4); c.82560T>C, p.Ile27520= (NM_133378.4); c.63444T>C, p.Ile21148= (NM_133432.3); c.63645T>C, p.Ile21215= (NM_133437.4).
Identifiers: ClinVar variation 1571623 (VCV001571623.10), dbSNP rs1238844529, ClinGen allele CA430245552.
Genomic context (GRCh38, chr2:178,552,636, plus strand): 5'-CTCATTTTTGGCAAACACTCTGAACTCCAGGACTGACTGCTCCTTAAGTTGGCTAACCTC[A>G]ATTTCACATGTCTTACTTATGCCAGCGTGGGACCACGTCTGTTCACCTTTACCTTTCCTT-3'
Protein context (NP_001254479.2, residues 30078-30098): SHAGISKTCE[Ile30088=]EVSQLKEQSV

ClinVar aggregate classification (germline): Likely benign. Review status: criteria provided, multiple submitters, no conflicts (2 of 4 stars). 2 submissions from 2 submitters: Likely benign (2). Last evaluated 2026-06-01.

Conditions:
Dilated cardiomyopathy 1G (CMD1G). Identifiers: Orphanet 154, MedGen C1858763, MONDO:0011400, OMIM 604145.
Autosomal recessive limb-girdle muscular dystrophy type 2J (LGMDR10). Also called: MUSCULAR DYSTROPHY, LIMB-GIRDLE, AUTOSOMAL RECESSIVE 10; Limb-girdle muscular dystrophy, type 2J. Identifiers: Orphanet 140922, MedGen C1837342, MONDO:0012127, OMIM 608807.

Allele frequency attached by ClinVar (database versions not stated): gnomAD exomes 0.00001.
gnomAD v4.1: 3 of 1,613,908 alleles (0.00019%); highest among the groups gnomAD compares: Admixed American, 0.005%; no homozygotes.

Submissions (2):

CeGaT Center for Human Genetics Tuebingen
Classification: Likely benign. Last evaluated: 2026-06-01. Review status: criteria provided, single submitter. Criteria: CeGaT Center For Human Genetics Tuebingen Variant Classification Criteria Version 2. Collection method: clinical testing. Allele origin: germline. Affected: yes. Observed: 1 variant allele.
Comment: TTN: BP4, BP7

Labcorp Genetics (formerly Invitae), Labcorp
Classification: Likely benign for Dilated cardiomyopathy 1G; Autosomal recessive limb-girdle muscular dystrophy type 2J. Last evaluated: 2021-07-14. Review status: criteria provided, single submitter. Criteria: Invitae Variant Classification Sherloc (09022015). Collection method: clinical testing. Allele origin: germline.